The following is an entry in ClinVar:

ClinVar aggregate classification (germline): Uncertain significance (1 of 4 stars; one submission).

Submission:

Women's Health and Genetics/Laboratory Corporation of America, LabCorp
Classification: Uncertain significance. Last evaluated: 2024-01-30. Review status: criteria provided, single submitter. Criteria: LabCorp Variant Classification Summary - May 2015. Collection method: clinical testing. Allele origin: germline.
Comment: Variant summary: The variant involves the deletion of exons 34-40 in the MYH8 gene. The exact breakpoint at the distal 3' end of this variant is unknown, therefore this deletion may extend downstream of the annotated region of the gene. As it encompasses the termination codon, it is predicted to escape nonsense mediated decay (NMD). A presumed nomenclature of c.(4653+1_4654-1)_(*133_?)del has been designated for the purposes of this classification. The variant allele was found at a frequency of 0.00023 in 21694 control chromosomes (gnomAD). The available data on variant occurrences in the general population are insufficient to allow any conclusion about variant significance. To our knowledge, no occurrence of c.(4653+1_4654-1)_(*133_?)del in individuals affected with Arthrogryposis Distal Type 7 and no experimental evidence demonstrating its impact on protein function have been reported. ClinVar contains an entry for this variant (Variation ID: 660152). Based on the evidence outlined above, the variant was classified as uncertain significance.

NC_000017.10:g.(?_10293638)_(10298759_10299646)del

Gene: MYH8 (myosin heavy chain 8; minus strand). Cytogenetic location: 17p13.1.
Variant type: Deletion.
Identifiers: ClinVar variation 3063711 (VCV003063711.1).